The following is an entry in ClinVar:

NM_002661.5(PLCG2):c.1419C>T (p.Asp473=)

Gene: PLCG2 (phospholipase C gamma 2; plus strand). Cytogenetic location: 16q23.3.
Variant type: single nucleotide variant.
Coding change: c.1419C>T on transcript NM_002661.5 (MANE Select); coding-DNA position 1419, C replaced by T.
Protein change: p.Asp473=; no amino-acid change (aspartic acid 473 retained).
Molecular consequence: synonymous variant.
Genome position (GRCh38, 1-based): chr16:81,905,459, C>T. VCF-style: chr16-81905459-C-T. GRCh37 (hg19) VCF-style: chr16-81939064-C-T.
Identifiers: ClinVar variation 708148 (VCV000708148.39), dbSNP rs372678135, ClinGen allele CA8193751.

ClinVar aggregate classification (germline): Benign/Likely benign. Review status: criteria provided, multiple submitters, no conflicts (2 of 4 stars). 7 submissions from 7 submitters: Benign (1); Likely benign (5). 1 of the submissions does not count toward it. Last evaluated 2025-12-23.

Conditions:
PLCG2-related disorder. Also called: PLCG2-related condition.
Familial cold autoinflammatory syndrome 3 (FCAS3). Also called: ANTIBODY DEFICIENCY AND IMMUNE DYSREGULATION, PLCG2-ASSOCIATED; FAMILIAL ATYPICAL COLD URTICARIA. Identifiers: Orphanet 300359, MedGen C3280914, MONDO:0013766, OMIM 614468.
Autoinflammation-PLCG2-associated antibody deficiency-immune dysregulation. Also called: Autoinflammation, antibody deficiency, and immune dysregulation, plcg2-associated; AUTOINFLAMMATION, ANTIBODY DEFICIENCY, AND IMMUNE DYSREGULATION; Autoinflammation, antibody deficiency, and immune dysregulation syndrome. Identifiers: Orphanet 324530, MedGen C3553961, MONDO:0013944, OMIM 614878.

Allele frequency attached by ClinVar (database versions not stated): ExAC 0.00025; ESP Exome Variant Server 0.00032; gnomAD 0.00033 and 0.00019; TOPMed 0.00039; gnomAD exomes 0.00016 and 0.00022.
gnomAD v4.1: 284 of 1,614,030 alleles (0.018%); highest among the groups gnomAD compares: Middle Eastern, 0.12%; no homozygotes.

Submissions (7):

Labcorp Genetics (formerly Invitae), Labcorp
Classification: Likely benign for Familial cold autoinflammatory syndrome 3. Last evaluated: 2025-12-23. Review status: criteria provided, single submitter. Criteria: Invitae Variant Classification Sherloc (09022015). Collection method: clinical testing. Allele origin: germline.

Women's Health and Genetics/Laboratory Corporation of America, LabCorp
Classification: Benign. Last evaluated: 2025-11-24. Review status: criteria provided, single submitter. Criteria: LabCorp Variant Classification Summary - May 2015. Collection method: clinical testing. Allele origin: germline.

ARUP Laboratories, Molecular Genetics and Genomics, ARUP Laboratories
Classification: Likely benign. Last evaluated: 2024-07-08. Review status: criteria provided, single submitter. Criteria: ARUP Molecular Germline Variant Investigation Process 2024. Collection method: clinical testing. Allele origin: germline.

Blueprint Genetics
Classification: Likely benign. Last evaluated: 2024-02-23. Review status: criteria provided, single submitter. Criteria: ACMG Guidelines, 2015. Collection method: clinical testing. Allele origin: germline.

CeGaT Center for Human Genetics Tuebingen
Classification: Likely benign. Last evaluated: 2023-12-01. Review status: criteria provided, single submitter. Criteria: CeGaT Center For Human Genetics Tuebingen Variant Classification Criteria Version 2. Collection method: clinical testing. Allele origin: germline. Affected: yes. Observed: 2 variant alleles.
Comment: PLCG2: BP4, BP7

Fulgent Genetics
Classification: Likely benign for Familial cold autoinflammatory syndrome 3; Autoinflammation-PLCG2-associated antibody deficiency-immune dysregulation. Last evaluated: 2022-04-13. Review status: criteria provided, single submitter. Criteria: ACMG Guidelines, 2015. Collection method: clinical testing. Allele origin: unknown.

PreventionGenetics, part of Exact Sciences
Classification: Likely benign for PLCG2-related condition. Last evaluated: 2019-03-04. Review status: no assertion criteria provided. Collection method: clinical testing. Allele origin: germline. Not counted in ClinVar's aggregate classification.
Comment: This variant is classified as likely benign based on ACMG/AMP sequence variant interpretation guidelines (Richards et al. 2015 PMID: 25741868, with internal and published modifications).